The following is an entry in ClinVar:

ClinVar aggregate classification (germline): Pathogenic (1 of 4 stars; one submission).

Conditions:
Vici syndrome (VICIS). Identifiers: Orphanet 1493, MedGen C1855772, MONDO:0009452, OMIM 242840.

Submission:

Labcorp Genetics (formerly Invitae), Labcorp
Classification: Pathogenic for Vici syndrome. Last evaluated: 2023-02-01. Review status: criteria provided, single submitter. Criteria: Invitae Variant Classification Sherloc (09022015). Collection method: clinical testing. Allele origin: germline.
Comment: This sequence change creates a premature translational stop signal (p.Leu2141Phefs*3) in the EPG5 gene. It is expected to result in an absent or disrupted protein product. Loss-of-function variants in EPG5 are known to be pathogenic (PMID: 23222957, 23674064). For these reasons, this variant has been classified as Pathogenic. This variant has not been reported in the literature in individuals affected with EPG5-related conditions. This variant is not present in population databases (gnomAD no frequency).

Literature cited by the submitters: PubMed 23222957; PubMed 23674064.

NM_020964.3(EPG5):c.6419dup (p.Leu2141fs)

Gene: EPG5 (ectopic P-granules 5 autophagy tethering factor; minus strand). Cytogenetic location: 18q12.3.
Variant type: Duplication.
Coding change: c.6419dup on transcript NM_020964.3 (MANE Select); coding-DNA position 6419, one base duplicated (C; older notation c.6419dupC).
Protein change: p.Leu2141fs; shifts the reading frame from leucine 2141.
Molecular consequence: frameshift variant.
Genome position (GRCh38, 1-based): chr18:45,867,000, G duplicated on the plus strand (C on the coding strand, the reverse complement: EPG5 is on the minus strand); the first of 2 consecutive G bases (chr18:45,867,000-45,867,001); duplicating either gives the same sequence. VCF-style (leftmost placement, unchanged base first): chr18-45866999-A-AG. GRCh37 (hg19) VCF-style: chr18-43446964-A-AG.
Other names: c.6419dup, p.Leu2141fs (NM_001410858.1); c.6416dup, p.Leu2140fs (NM_001410859.1); short protein forms L2140fs, L2141fs.
Identifiers: ClinVar variation 2833458 (VCV002833458.3), dbSNP rs2511487515, ClinGen allele CA2739268676.
Genomic context (GRCh38, chr18:45,866,999, plus strand): 5'-CGACACAATATCCACAAGATGCCATGAAAGTGAGCTTGTCTGTCCAAGGAGACTAAGTAA[A>AG]GGTGAATCCTAAAAATAAAACACATATTCCTTTAGTTCCAGAGCCCCAATTTTTCCAGAA-3'